The following is an entry in ClinVar:

ClinVar aggregate classification (germline): Uncertain significance (1 of 4 stars; one submission).

Allele frequency attached by ClinVar (database versions not stated): gnomAD 0.00001; gnomAD exomes 0.00001; ExAC 0.00002; TOPMed 0.00002.
gnomAD v4.1: 15 of 1,606,920 alleles (0.00093%); highest among the groups gnomAD compares: Admixed American, 0.0017%; no homozygotes.

Submission:

Labcorp Genetics (formerly Invitae), Labcorp
Classification: Uncertain significance. Last evaluated: 2023-09-08. Review status: criteria provided, single submitter. Criteria: Invitae Variant Classification Sherloc (09022015). Collection method: clinical testing. Allele origin: germline.
Comment: This variant is present in population databases (rs782663689, gnomAD 0.004%). This sequence change replaces isoleucine, which is neutral and non-polar, with valine, which is neutral and non-polar, at codon 2050 of the KMT2A protein (p.Ile2050Val). This variant has not been reported in the literature in individuals affected with KMT2A-related conditions. In summary, the available evidence is currently insufficient to determine the role of this variant in disease. Therefore, it has been classified as a Variant of Uncertain Significance. Advanced modeling of protein sequence and biophysical properties (such as structural, functional, and spatial information, amino acid conservation, physicochemical variation, residue mobility, and thermodynamic stability) performed at Invitae indicates that this missense variant is not expected to disrupt KMT2A protein function. ClinVar contains an entry for this variant (Variation ID: 1919050).

NM_001197104.2(KMT2A):c.6148A>G (p.Ile2050Val)

Gene: KMT2A (lysine methyltransferase 2A; plus strand). Cytogenetic location: 11q23.3.
Variant type: single nucleotide variant.
Coding change: c.6148A>G on transcript NM_001197104.2 (MANE Select); coding-DNA position 6148, A replaced by G.
Protein change: p.Ile2050Val; replaces isoleucine 2050 with valine.
Molecular consequence: missense variant.
Genome position (GRCh38, 1-based): chr11:118,499,903, A>G. VCF-style: chr11-118499903-A-G. GRCh37 (hg19) VCF-style: chr11-118370618-A-G.
Other names: c.6238A>G, p.Ile2080Val (NM_001412597.1); c.6139A>G, p.Ile2047Val (NM_005933.4); short protein forms I2050V, I2080V, I2047V.
Identifiers: ClinVar variation 1919050 (VCV001919050.5), dbSNP rs782663689, ClinGen allele CA6304186.